The following is an entry in ClinVar:

ClinVar aggregate classification (germline): Benign. Review status: criteria provided, multiple submitters, no conflicts (2 of 4 stars). 7 submissions from 7 submitters: Benign (6). 1 of the submissions does not count toward it. Last evaluated 2026-02-04.

Conditions:
Microcephalic osteodysplastic primordial dwarfism type II (MOPD2). Also called: Microcephalic osteodysplastic primordial dwarfism with tooth abnormalities; OSTEODYSPLASTIC PRIMORDIAL DWARFISM, TYPE II; MOPD II. Identifiers: Orphanet 2637, MedGen C0432246, MONDO:0008872, OMIM 210720.

Allele frequency attached by ClinVar (database versions not stated): gnomAD exomes 0.09575; gnomAD 0.17763 and 0.18604; 1000 Genomes Project 0.17792; 1000 Genomes Project 30x 0.18504; TOPMed 0.18686; ESP Exome Variant Server 0.19714.
gnomAD v4.1: 146,275 of 1,613,756 alleles (9.1%); highest among the groups gnomAD compares: African/African-American, 44%; 12,077 homozygotes.

Submissions (7):

Labcorp Genetics (formerly Invitae), Labcorp
Classification: Benign. Last evaluated: 2026-02-04. Review status: criteria provided, single submitter. Criteria: Invitae Variant Classification Sherloc (09022015). Collection method: clinical testing. Allele origin: germline.

Illumina Laboratory Services, Illumina
Classification: Benign for Microcephalic osteodysplastic primordial dwarfism type II. Last evaluated: 2018-01-13. Review status: criteria provided, single submitter. Criteria: ICSL Variant Classification Criteria 13 December 2019. Collection method: clinical testing. Allele origin: germline.
Comment: This variant was observed in the ICSL laboratory as part of a predisposition screen in an ostensibly healthy population. It had not been previously curated by ICSL or reported in the Human Gene Mutation Database (HGMD: prior to June 1st, 2018), and was therefore a candidate for classification through an automated scoring system. Utilizing variant allele frequency, disease prevalence and penetrance estimates, and inheritance mode, an automated score was calculated to assess if this variant is too frequent to cause the disease. Based on the score and internal cut-off values, a variant classified as benign is not then subjected to further curation. The score for this variant resulted in a classification of benign for this disease.

Clinical Genetics DNA and cytogenetics Diagnostics Lab, Erasmus MC, Erasmus Medical Center
Classification: Benign for Microcephalic osteodysplastic primordial dwarfism type II. Last evaluated: 2017-06-28. Review status: criteria provided, single submitter. Criteria: ACGS Guidelines, 2013. Collection method: clinical testing. Allele origin: germline. Affected: yes. Study: VKGL Data-share Consensus.

GeneDx
Classification: Benign. Last evaluated: 2014-02-26. Review status: criteria provided, single submitter. Criteria: GeneDx Variant Classification (06012015). Collection method: clinical testing. Allele origin: germline. Affected: yes.
Comment: This variant is considered likely benign or benign based on one or more of the following criteria: it is a conservative change, it occurs at a poorly conserved position in the protein, it is predicted to be benign by multiple in silico algorithms, and/or has population frequency not consistent with disease.

Genetic Services Laboratory, University of Chicago
Classification: Benign. Last evaluated: 2013-02-08. Review status: criteria provided, single submitter. Criteria: ACMG Guidelines, 2007. Collection method: clinical testing. Allele origin: germline. Inheritance: Autosomal recessive inheritance.

Breakthrough Genomics
Classification: Benign. Review status: criteria provided, single submitter. Criteria: ACMG Guidelines, 2015. Collection method: not provided. Allele origin: germline. Inheritance: Autosomal recessive inheritance. Affected: yes.

Diagnostic Laboratory, Department of Genetics, University Medical Center Groningen
Classification: Likely benign for Microcephalic osteodysplastic primordial dwarfism type II. Review status: no assertion criteria provided. Collection method: clinical testing. Allele origin: germline. Affected: yes. Study: VKGL Data-share Consensus. Not counted in ClinVar's aggregate classification.

NM_006031.6(PCNT):c.6384A>G (p.Thr2128=)

Gene: PCNT (pericentrin; plus strand). Cytogenetic location: 21q22.3.
Variant type: single nucleotide variant.
Coding change: c.6384A>G on transcript NM_006031.6 (MANE Select); coding-DNA position 6384, A replaced by G.
Protein change: p.Thr2128=; no amino-acid change (threonine 2128 retained).
Molecular consequence: synonymous variant.
Genome position (GRCh38, 1-based): chr21:46,416,302, A>G. VCF-style: chr21-46416302-A-G. GRCh37 (hg19) VCF-style: chr21-47836216-A-G.
Other names: p.T2128T:ACA>ACG; c.6030A>G, p.Thr2010= (NM_001315529.2).
Identifiers: ClinVar variation 138623 (VCV000138623.18), dbSNP rs60444527, ClinGen allele CA173045.